The following is an entry in ClinVar:

NM_001367624.2(ZNF469):c.7671C>T (p.Gly2557=)

Gene: ZNF469 (zinc finger protein 469; plus strand). Cytogenetic location: 16q24.2.
Variant type: single nucleotide variant.
Coding change: c.7671C>T on transcript NM_001367624.2 (MANE Select); coding-DNA position 7671, C replaced by T.
Protein change: p.Gly2557=; no amino-acid change (glycine 2557 retained).
Molecular consequence: synonymous variant.
Genome position (GRCh38, 1-based): chr16:88,435,141, C>T. VCF-style: chr16-88435141-C-T. GRCh37 (hg19) VCF-style: chr16-88501549-C-T.
Identifiers: ClinVar variation 2646970 (VCV002646970.26), dbSNP rs1906479876, ClinGen allele CA497357205.
Genomic context (GRCh38, chr16:88,435,141, plus strand): 5'-GAGACCAAATCACTCACGGGGAGACCCCAGCCACGTCACCCAGCCACCGCCTGCCCAGGG[C>T]TCAAAGGAGGTTCTCAGAGCACCGGGGTCCCCACACAGCCAGCAGCTGCACCCTCCAAGC-3'
Protein context (NP_001354553.1, residues 2547-2567): SHVTQPPPAQ[Gly2557=]SKEVLRAPGS

ClinVar aggregate classification (germline): Likely benign. Review status: criteria provided, multiple submitters, no conflicts (2 of 4 stars). 2 submissions from 2 submitters: Likely benign (2). Last evaluated 2024-10-23.

Allele frequency attached by ClinVar (database versions not stated): gnomAD exomes below 0.00001.
gnomAD v4.1: 1 of 1,550,354 alleles (0.000065%); highest among the groups gnomAD compares: Non-Finnish European, 0.000087%; no homozygotes.

Submissions (2):

Labcorp Genetics (formerly Invitae), Labcorp
Classification: Likely benign. Last evaluated: 2024-10-23. Review status: criteria provided, single submitter. Criteria: Invitae Variant Classification Sherloc (09022015). Collection method: clinical testing. Allele origin: germline.

CeGaT Center for Human Genetics Tuebingen
Classification: Likely benign. Last evaluated: 2023-02-01. Review status: criteria provided, single submitter. Criteria: CeGaT Center For Human Genetics Tuebingen Variant Classification Criteria Version 2. Collection method: clinical testing. Allele origin: germline. Affected: yes. Observed: 1 variant allele.
Comment: ZNF469: PM2:Supporting, BP4, BP7